The following is an entry in ClinVar:

NM_000843.4(GRM6):c.119C>T (p.Thr40Met)

Gene: GRM6 (glutamate metabotropic receptor 6; minus strand). Cytogenetic location: 5q35.3.
Variant type: single nucleotide variant.
Coding change: c.119C>T on transcript NM_000843.4 (MANE Select); coding-DNA position 119, C replaced by T.
Protein change: p.Thr40Met; replaces threonine 40 with methionine.
Molecular consequence: missense variant.
Genome position (GRCh38, 1-based): chr5:178,994,826, G>A on the plus strand (C>T on the coding strand, the complement: GRM6 is on the minus strand). VCF-style: chr5-178994826-G-A. GRCh37 (hg19) VCF-style: chr5-178421827-G-A.
Other names: short protein forms T40M.
Identifiers: ClinVar variation 1399164 (VCV001399164.8), dbSNP rs2113348491, ClinGen allele CA362437031.

ClinVar aggregate classification (germline): Uncertain significance (1 of 4 stars; one submission).

Submission:

Labcorp Genetics (formerly Invitae), Labcorp
Classification: Uncertain significance. Last evaluated: 2022-10-13. Review status: criteria provided, single submitter. Criteria: Invitae Variant Classification Sherloc (09022015). Collection method: clinical testing. Allele origin: germline.
Comment: This variant has not been reported in the literature in individuals affected with GRM6-related conditions. This variant is not present in population databases (gnomAD no frequency). This sequence change replaces threonine, which is neutral and polar, with methionine, which is neutral and non-polar, at codon 40 of the GRM6 protein (p.Thr40Met). Advanced modeling of protein sequence and biophysical properties (such as structural, functional, and spatial information, amino acid conservation, physicochemical variation, residue mobility, and thermodynamic stability) performed at Invitae indicates that this missense variant is not expected to disrupt GRM6 protein function. In summary, the available evidence is currently insufficient to determine the role of this variant in disease. Therefore, it has been classified as a Variant of Uncertain Significance.